The following is an entry in ClinVar:

ClinVar aggregate classification (germline): Uncertain significance (1 of 4 stars; one submission).

Conditions:
Hereditary cancer-predisposing syndrome. Also called: Neoplastic Syndromes, Hereditary; Tumor predisposition; Hereditary Cancer Syndrome; Hereditary neoplastic syndrome. Identifiers: Orphanet 140162, MedGen C0027672, MeSH D009386, MONDO:0015356.

Submission:

Ambry Genetics
Classification: Uncertain significance for Hereditary cancer-predisposing syndrome. Last evaluated: 2026-06-09. Review status: criteria provided, single submitter. Criteria: Ambry Variant Classification Scheme 2023. Collection method: clinical testing. Allele origin: germline.
Comment: The p.D245N variant (also known as c.733G>A), located in coding exon 3 of the XRCC2 gene, results from a G to A substitution at nucleotide position 733. The aspartic acid at codon 245 is replaced by asparagine, an amino acid with highly similar properties. This amino acid position is conserved. In addition, this alteration is predicted to be tolerated by in silico analysis. Based on the available evidence, the clinical significance of this variant remains unclear.

NM_005431.2(XRCC2):c.733G>A (p.Asp245Asn)

Gene: XRCC2 (X-ray repair cross complementing 2; minus strand). Cytogenetic location: 7q36.1.
Variant type: single nucleotide variant.
Coding change: c.733G>A on transcript NM_005431.2 (MANE Select); coding-DNA position 733, G replaced by A.
Protein change: p.Asp245Asn; replaces aspartic acid 245 with asparagine.
Molecular consequence: missense variant.
Genome position (GRCh38, 1-based): chr7:152,648,752, C>T on the plus strand (G>A on the coding strand, the complement: XRCC2 is on the minus strand). VCF-style: chr7-152648752-C-T. GRCh37 (hg19) VCF-style: chr7-152345837-C-T.
Other names: short protein forms D245N.
Identifiers: ClinVar variation 4866850 (VCV004866850.1).